The following is an entry in ClinVar:

NM_015338.6(ASXL1):c.472-2A>G

Gene: ASXL1 (ASXL transcriptional regulator 1; plus strand). Cytogenetic location: 20q11.21.
Variant type: single nucleotide variant.
Coding change: c.472-2A>G on transcript NM_015338.6 (MANE Select); the canonical splice acceptor site of the intron before coding-DNA position 472, A replaced by G.
Molecular consequence: splice acceptor variant.
Genome position (GRCh38, 1-based): chr20:32,429,336, A>G. VCF-style: chr20-32429336-A-G. GRCh37 (hg19) VCF-style: chr20-31017139-A-G.
Other names: c.442-2A>G (NM_001363734.1).
Identifiers: ClinVar variation 3391152 (VCV003391152.2).

ClinVar aggregate classification (germline): Pathogenic. Review status: criteria provided, multiple submitters, no conflicts (2 of 4 stars). 2 submissions from 2 submitters: Pathogenic (2). Last evaluated 2025-03-28.

Conditions:
Bohring-Opitz syndrome. Also called: C-LIKE SYNDROME; BOHRING SYNDROME; OPITZ TRIGONOCEPHALY-LIKE SYNDROME; ASXL1-Related Bohring-Opitz Syndrome. Identifiers: Orphanet 97297, MedGen C0796232, MONDO:0011510, OMIM 605039.

Submissions (2):

3billion
Classification: Pathogenic for Bohring-Opitz syndrome. Last evaluated: 2025-03-28. Review status: criteria provided, single submitter. Criteria: ACMG Guidelines, 2015. Collection method: clinical testing. Allele origin: germline. Affected: yes.
Comment: The variant is observed at an extremely low frequency in the gnomAD v4.1.0 dataset (total allele frequency: <0.001%). Predicted Consequence/Location: Canonical splice site: predicted to alter splicing and result in a loss or disruption of normal protein function. Multiple pathogenic loss-of-function variants are reported downstream of the variant. e variant has been reported to be associated with ASXL1-related disorder (ClinVar ID: VCV003391152). Therefore, this variant is classified as Pathogenic according to the recommendation of ACMG/AMP guideline.

Genomic Medicine Center of Excellence, King Faisal Specialist Hospital and Research Centre
Classification: Pathogenic for Bohring-Opitz syndrome. Last evaluated: 2024-12-18. Review status: criteria provided, single submitter. Criteria: ACMG Guidelines, 2015. Collection method: clinical testing. Allele origin: germline.